The following is an entry in ClinVar:

NM_000038.6(APC):c.5656G>A (p.Glu1886Lys)

Gene: APC (APC regulator of Wnt signaling pathway; plus strand). Cytogenetic location: 5q22.2.
Variant type: single nucleotide variant.
Coding change: c.5656G>A on transcript NM_000038.6 (MANE Select); coding-DNA position 5656, G replaced by A.
Protein change: p.Glu1886Lys; replaces glutamic acid 1886 with lysine.
Molecular consequence: missense variant.
Genome position (GRCh38, 1-based): chr5:112,841,250, G>A. VCF-style: chr5-112841250-G-A. GRCh37 (hg19) VCF-style: chr5-112176947-G-A.
Other names: c.5656G>A, p.Glu1886Lys (NM_001127510.3, NM_001354895.2); c.5602G>A, p.Glu1868Lys (NM_001127511.3); c.5710G>A, p.Glu1904Lys (NM_001354896.2); c.5686G>A, p.Glu1896Lys (NM_001354897.2); c.5581G>A, p.Glu1861Lys (NM_001354898.2); c.5572G>A, p.Glu1858Lys (NM_001354899.2); c.5533G>A, p.Glu1845Lys (NM_001354900.2); c.5479G>A, p.Glu1827Lys (NM_001354901.2); and 5 more; short protein forms E1868K, E1886K, E1760K, E1785K, E1896K, E1858K, E1861K, E1603K.
Identifiers: ClinVar variation 140963 (VCV000140963.5), dbSNP rs587781400, ClinGen allele CA010575.
Genomic context (GRCh38, chr5:112,841,250, plus strand): 5'-GATTTTGATGATGATGATGTTGACCTTTCCAGGGAAAAGGCTGAATTAAGAAAGGCAAAA[G>A]AAAATAAGGAATCAGAGGCTAAAGTTACCAGCCACACAGAACTAACCTCCAACCAACAAT-3'
Protein context (NP_000029.2, residues 1876-1896): REKAELRKAK[Glu1886Lys]NKESEAKVTS

ClinVar aggregate classification (germline): Uncertain significance. Review status: criteria provided, multiple submitters, no conflicts (2 of 4 stars). 2 submissions from 2 submitters: Uncertain significance (2). Last evaluated 2020-06-10.

Conditions:
Hereditary cancer-predisposing syndrome. Also called: Neoplastic Syndromes, Hereditary; Tumor predisposition; Hereditary Cancer Syndrome; Hereditary neoplastic syndrome. Identifiers: Orphanet 140162, MedGen C0027672, MeSH D009386, MONDO:0015356.

Submissions (2):

Color Diagnostics, LLC DBA Color Health
Classification: Uncertain significance for Hereditary cancer-predisposing syndrome. Last evaluated: 2020-06-10. Review status: criteria provided, single submitter. Criteria: ACMG Guidelines, 2015. Collection method: clinical testing. Allele origin: germline.
Comment: This missense variant replaces glutamic acid with lysine at codon 1886 of the APC protein. Computational prediction suggests that this variant may not impact protein structure and function (internally defined REVEL score threshold <= 0.5, PMID: 27666373). To our knowledge, functional studies have not been reported for this variant. This variant has not been reported in individuals affected with hereditary cancer in the literature. This variant has not been identified in the general population by the Genome Aggregation Database (gnomAD). The available evidence is insufficient to determine the role of this variant in disease conclusively. Therefore, this variant is classified as a Variant of Uncertain Significance.

Ambry Genetics
Classification: Uncertain significance for Hereditary cancer-predisposing syndrome. Last evaluated: 2014-01-13. Review status: criteria provided, single submitter. Criteria: Ambry Autosomal Dominant and X-Linked criteria (10/2015). Collection method: clinical testing. Allele origin: germline. Observed: 1 variant allele.
Comment: The p.E1886K variant (also known as c.5656G>A), located in coding exon 15 of the APC gene, results from a G to A substitution at nucleotide position 5656. The glutamic acid at codon 1886 is replaced by lysine, an amino acid with similar properties. This variant was not reported in population based cohorts in the following databases: Database of Single Nucleotide Polymorphisms (dbSNP), NHLBI Exome Sequencing Project (ESP), and 1000 Genomes Project.To date, this alteration has been detected with an allele frequency of approximately 0.01% (greater than 7600 alleles tested) in our clinical cohort (includes this individual). Based on protein sequence alignment, this amino acid position is well conserved in available vertebrate species. In addition, this alteration is predicted to be tolerated by in silico analysis.Since supporting evidence is limited at this time, the clinical significance of this variant remains unclear.